The following is an entry in ClinVar:

NM_015065.3(EXPH5):c.5477T>C (p.Ile1826Thr)

Gene: EXPH5 (exophilin 5; minus strand). Cytogenetic location: 11q22.3.
Variant type: single nucleotide variant.
Coding change: c.5477T>C on transcript NM_015065.3 (MANE Select); coding-DNA position 5477, T replaced by C.
Protein change: p.Ile1826Thr; replaces isoleucine 1826 with threonine.
Molecular consequence: missense variant.
Genome position (GRCh38, 1-based): chr11:108,510,030, A>G on the plus strand (T>C on the coding strand, the complement: EXPH5 is on the minus strand). VCF-style: chr11-108510030-A-G. GRCh37 (hg19) VCF-style: chr11-108380757-A-G.
Other names: c.5249T>C, p.Ile1750Thr (NM_001144763.2, NM_001441061.1, NM_001441067.1 and 5 more transcripts); c.5009T>C, p.Ile1670Thr (NM_001144764.2); c.4913T>C, p.Ile1638Thr (NM_001144765.2); c.5456T>C, p.Ile1819Thr (NM_001308019.2); c.5474T>C, p.Ile1825Thr (NM_001441059.1); c.5453T>C, p.Ile1818Thr (NM_001441060.1); c.5246T>C, p.Ile1749Thr (NM_001441073.1, NM_001441074.1, NM_001441075.1); c.5006T>C, p.Ile1669Thr (NM_001441076.1); short protein forms I1638T, I1669T, I1670T, I1749T, I1750T, I1818T, I1819T, I1825T.
Identifiers: ClinVar variation 4082870 (VCV004082870.1).

ClinVar aggregate classification (germline): Uncertain significance (1 of 4 stars; one submission).

gnomAD v4.1: 6 of 1,613,262 alleles (0.00037%); highest among the groups gnomAD compares: South Asian, 0.0066%; no homozygotes.

Submission:

GeneDx
Classification: Uncertain significance. Last evaluated: 2025-03-04. Review status: criteria provided, single submitter. Criteria: GeneDx Variant Classification Process June 2021. Collection method: clinical testing. Allele origin: germline. Affected: yes.
Comment: Not observed at significant frequency in large population cohorts (gnomAD); In silico analysis indicates that this missense variant does not alter protein structure/function; Has not been previously published as pathogenic or benign to our knowledge